The following is an entry in ClinVar:

ClinVar aggregate classification (germline): Uncertain significance (1 of 4 stars; one submission).

Allele frequency attached by ClinVar (database versions not stated): TOPMed 0.00002; gnomAD exomes 0.00003; gnomAD 0.00004; ExAC 0.00013; 1000 Genomes Project 30x 0.00062; 1000 Genomes Project 0.00080.

Submission:

Labcorp Genetics (formerly Invitae), Labcorp
Classification: Uncertain significance. Last evaluated: 2022-05-03. Review status: criteria provided, single submitter. Criteria: Invitae Variant Classification Sherloc (09022015). Collection method: clinical testing. Allele origin: germline.
Comment: This variant has not been reported in the literature in individuals affected with PRDX1-related conditions. The frequency data for this variant in the population databases is considered unreliable, as metrics indicate poor data quality at this position in the gnomAD database. This sequence change replaces methionine, which is neutral and non-polar, with valine, which is neutral and non-polar, at codon 100 of the PRDX1 protein (p.Met100Val). In summary, the available evidence is currently insufficient to determine the role of this variant in disease. Therefore, it has been classified as a Variant of Uncertain Significance. Algorithms developed to predict the effect of missense changes on protein structure and function output the following: SIFT: "Tolerated"; PolyPhen-2: "Benign"; Align-GVGD: "Class C0". The valine amino acid residue is found in multiple mammalian species, which suggests that this missense change does not adversely affect protein function.

NM_181697.3(PRDX1):c.298A>G (p.Met100Val)

Gene: PRDX1 (peroxiredoxin 1; minus strand). Cytogenetic location: 1p34.1.
Variant type: single nucleotide variant.
Coding change: c.298A>G on transcript NM_181697.3 (MANE Select); coding-DNA position 298, A replaced by G.
Protein change: p.Met100Val; replaces methionine 100 with valine.
Molecular consequence: missense variant.
Genome position (GRCh38, 1-based): chr1:45,514,958, T>C on the plus strand (A>G on the coding strand, the complement: PRDX1 is on the minus strand). VCF-style: chr1-45514958-T-C. GRCh37 (hg19) VCF-style: chr1-45980630-T-C.
Other names: c.298A>G, p.Met100Val (NM_001202431.2, NM_002574.4, NM_181696.3); short protein forms M100V.
Identifiers: ClinVar variation 2415290 (VCV002415290.6), dbSNP rs533343151, ClinGen allele CA828015.
Genomic context (GRCh38, chr1:45,514,958, plus strand): 5'-TTAAGACCCCATAATCCTGAGCAATGGTGCGCTTCGGGTCTGATACCAAAGGAATGTTCA[T>C]GGGTCCCAGTCCTCCTTGTTTCTTAGGTGTATTGACCCTATGGCAAAAGGCAAACATACA-3'
Protein context (NP_859048.1, residues 90-110): TPKKQGGLGP[Met100Val]NIPLVSDPKR